The following is an entry in ClinVar:

NM_001130438.3(SPTAN1):c.4582G>A (p.Glu1528Lys)

Gene: SPTAN1 (spectrin alpha, non-erythrocytic 1; plus strand). Cytogenetic location: 9q34.11.
Variant type: single nucleotide variant.
Coding change: c.4582G>A on transcript NM_001130438.3 (MANE Select); coding-DNA position 4582, G replaced by A.
Protein change: p.Glu1528Lys; replaces glutamic acid 1528 with lysine.
Molecular consequence: missense variant.
Genome position (GRCh38, 1-based): chr9:128,608,964, G>A. VCF-style: chr9-128608964-G-A. GRCh37 (hg19) VCF-style: chr9-131371243-G-A.
Other names: c.4522G>A, p.Glu1508Lys (NM_001195532.2, NM_001363765.2, NM_001375314.2); c.4582G>A, p.Glu1528Lys (NM_001363759.2, NM_001375310.1, NM_001375311.2 and 2 more transcripts); c.4618G>A, p.Glu1540Lys (NM_001375312.2, NM_001375318.1); short protein forms E1508K, E1528K, E1540K.
Identifiers: ClinVar variation 1051295 (VCV001051295.11), dbSNP rs780433514, ClinGen allele CA5265221.

ClinVar aggregate classification (germline): Uncertain significance. Review status: criteria provided, multiple submitters, no conflicts (2 of 4 stars). 2 submissions from 2 submitters: Uncertain significance (2). Last evaluated 2024-06-17.

Conditions:
Early-infantile DEE. Also called: Ohtahara syndrome; Early infantile epileptic encephalopathy with suppression bursts; Early infantile epileptic encephalopathy. Identifiers: Orphanet 1934, MedGen C0393706, MONDO:0800491.

Allele frequency attached by ClinVar (database versions not stated): gnomAD exomes below 0.00001; ExAC 0.00001; gnomAD 0.00001; TOPMed 0.00001.
gnomAD v4.1: 2 of 1,614,116 alleles (0.00012%); highest among the groups gnomAD compares: African/African-American, 0.0027%; no homozygotes.

Submissions (2):

Labcorp Genetics (formerly Invitae), Labcorp
Classification: Uncertain significance for Early-infantile DEE. Last evaluated: 2024-06-17. Review status: criteria provided, single submitter. Criteria: Invitae Variant Classification Sherloc (09022015). Collection method: clinical testing. Allele origin: germline.
Comment: This sequence change replaces glutamic acid, which is acidic and polar, with lysine, which is basic and polar, at codon 1528 of the SPTAN1 protein (p.Glu1528Lys). This variant is present in population databases (rs780433514, gnomAD 0.007%). This variant has not been reported in the literature in individuals affected with SPTAN1-related conditions. ClinVar contains an entry for this variant (Variation ID: 1051295). Advanced modeling of protein sequence and biophysical properties (such as structural, functional, and spatial information, amino acid conservation, physicochemical variation, residue mobility, and thermodynamic stability) has been performed at Invitae for this missense variant, however the output from this modeling did not meet the statistical confidence thresholds required to predict the impact of this variant on SPTAN1 protein function. In summary, the available evidence is currently insufficient to determine the role of this variant in disease. Therefore, it has been classified as a Variant of Uncertain Significance.

GeneDx
Classification: Uncertain significance. Last evaluated: 2022-05-31. Review status: criteria provided, single submitter. Criteria: GeneDx Variant Classification Process June 2021. Collection method: clinical testing. Allele origin: germline. Affected: yes.
Comment: In silico analysis supports that this missense variant does not alter protein structure/function; Has not been previously published as pathogenic or benign to our knowledge